The following is an entry in ClinVar:

ClinVar aggregate classification (germline): Uncertain significance (1 of 4 stars; one submission).

Submission:

Labcorp Genetics (formerly Invitae), Labcorp
Classification: Uncertain significance. Last evaluated: 2024-10-30. Review status: criteria provided, single submitter. Criteria: Invitae Variant Classification Sherloc (09022015). Collection method: clinical testing. Allele origin: germline.
Comment: This sequence change replaces glycine, which is neutral and non-polar, with serine, which is neutral and polar, at codon 768 of the OPA1 protein (p.Gly768Ser). This variant is not present in population databases (gnomAD no frequency). This variant has not been reported in the literature in individuals affected with OPA1-related conditions. Invitae Evidence Modeling of protein sequence and biophysical properties (such as structural, functional, and spatial information, amino acid conservation, physicochemical variation, residue mobility, and thermodynamic stability) indicates that this missense variant is expected to disrupt OPA1 protein function with a positive predictive value of 80%. In summary, the available evidence is currently insufficient to determine the role of this variant in disease. Therefore, it has been classified as a Variant of Uncertain Significance.

NM_130837.3(OPA1):c.2467G>A (p.Gly823Ser)

Gene: OPA1 (OPA1 mitochondrial dynamin like GTPase; plus strand). Cytogenetic location: 3q29.
Variant type: single nucleotide variant.
Coding change: c.2467G>A on transcript NM_130837.3 (MANE Select); coding-DNA position 2467, G replaced by A.
Protein change: p.Gly823Ser; replaces glycine 823 with serine.
Molecular consequence: missense variant.
Genome position (GRCh38, 1-based): chr3:193,659,508, G>A. VCF-style: chr3-193659508-G-A. GRCh37 (hg19) VCF-style: chr3-193377297-G-A.
Other names: c.1933G>A, p.Gly645Ser (NM_001354663.2); c.1930G>A, p.Gly644Ser (NM_001354664.2); c.2302G>A, p.Gly768Ser (NM_015560.3); c.2194G>A, p.Gly732Ser (NM_130831.3); c.2248G>A, p.Gly750Ser (NM_130832.3); c.2305G>A, p.Gly769Ser (NM_130833.3); c.2356G>A, p.Gly786Ser (NM_130834.3); c.2359G>A, p.Gly787Ser (NM_130835.3); and 1 more; short protein forms G644S, G645S, G768S, G805S, G769S, G786S, G823S, G732S.
Identifiers: ClinVar variation 3665602 (VCV003665602.2).
Genomic context (GRCh38, chr3:193,659,508, plus strand): 5'-ATAAAATTCTTGATTAATTAATTTTTTTTTCTAGCTGAAAATGCAATTGAAAACATGGTG[G>A]GTCCAGACTGGAAAAAGAGGTGGTTATACTGGAAGAATCGGACCCAAGAACAGGTAGAAA-3'
Protein context (NP_570850.2, residues 813-833): DTENAIENMV[Gly823Ser]PDWKKRWLYW